The following is an entry in ClinVar:

ClinVar aggregate classification (germline): Uncertain significance (1 of 4 stars; one submission).

Conditions:
Dilated cardiomyopathy 2B. Identifiers: Orphanet 154, MedGen C3553409, MONDO:0013848, OMIM 614672.

Submission:

Labcorp Genetics (formerly Invitae), Labcorp
Classification: Uncertain significance for Dilated cardiomyopathy 2B. Last evaluated: 2023-05-08. Review status: criteria provided, single submitter. Criteria: Invitae Variant Classification Sherloc (09022015). Collection method: clinical testing. Allele origin: germline.
Comment: ClinVar contains an entry for this variant (Variation ID: 1924122). This variant has not been reported in the literature in individuals affected with GATAD1-related conditions. This variant is not present in population databases (gnomAD no frequency). This sequence change replaces proline, which is neutral and non-polar, with threonine, which is neutral and polar, at codon 195 of the GATAD1 protein (p.Pro195Thr). Advanced modeling of protein sequence and biophysical properties (such as structural, functional, and spatial information, amino acid conservation, physicochemical variation, residue mobility, and thermodynamic stability) performed at Invitae indicates that this missense variant is not expected to disrupt GATAD1 protein function. In summary, the available evidence is currently insufficient to determine the role of this variant in disease. Therefore, it has been classified as a Variant of Uncertain Significance.

NM_021167.5(GATAD1):c.583C>A (p.Pro195Thr)

Gene: GATAD1 (GATA zinc finger domain containing 1; plus strand). Cytogenetic location: 7q21.2.
Variant type: single nucleotide variant.
Coding change: c.583C>A on transcript NM_021167.5 (MANE Select); coding-DNA position 583, C replaced by A.
Protein change: p.Pro195Thr; replaces proline 195 with threonine.
Molecular consequence: missense variant. On other transcripts: non-coding transcript variant (1).
Genome position (GRCh38, 1-based): chr7:92,454,649, C>A. VCF-style: chr7-92454649-C-A. GRCh37 (hg19) VCF-style: chr7-92083963-C-A.
Other names: short protein forms P195T.
Identifiers: ClinVar variation 1924122 (VCV001924122.5), dbSNP rs2484537300, ClinGen allele CA368161059.
Genomic context (GRCh38, chr7:92,454,649, plus strand): 5'-CAGGACCAGTATTGCGAGAAGAGTGCAGCACTGACGTGGCTCATTCCTACCCTCTCTAGC[C>A]CCAGAGACCAATTTGATCCCGCCTCCTATATCATAGGTAAGTTTGACAAATGGCACAGGT-3'
Protein context (NP_066990.3, residues 185-205): LTWLIPTLSS[Pro195Thr]RDQFDPASYI